The following is an entry in ClinVar:

ClinVar aggregate classification (germline): Uncertain significance (1 of 4 stars; one submission).

gnomAD v4.1: 1 of 1,551,212 alleles (0.000064%); highest among the groups gnomAD compares: Admixed American, 0.002%; no homozygotes.

Submission:

Labcorp Genetics (formerly Invitae), Labcorp
Classification: Uncertain significance. Last evaluated: 2022-05-30. Review status: criteria provided, single submitter. Criteria: Invitae Variant Classification Sherloc (09022015). Collection method: clinical testing. Allele origin: germline.
Comment: This sequence change replaces alanine, which is neutral and non-polar, with serine, which is neutral and polar, at codon 903 of the UNC80 protein (p.Ala903Ser). This variant is not present in population databases (gnomAD no frequency). This variant has not been reported in the literature in individuals affected with UNC80-related conditions. Algorithms developed to predict the effect of missense changes on protein structure and function are either unavailable or do not agree on the potential impact of this missense change (SIFT: "Not Available"; PolyPhen-2: "Benign"; Align-GVGD: "Not Available"). In summary, the available evidence is currently insufficient to determine the role of this variant in disease. Therefore, it has been classified as a Variant of Uncertain Significance.

NM_001371986.1(UNC80):c.2707G>T (p.Ala903Ser)

Gene: UNC80 (unc-80 homolog, NALCN channel complex subunit; plus strand). Cytogenetic location: 2q34.
Variant type: single nucleotide variant.
Coding change: c.2707G>T on transcript NM_001371986.1 (MANE Select); coding-DNA position 2707, G replaced by T.
Protein change: p.Ala903Ser; replaces alanine 903 with serine.
Molecular consequence: missense variant.
Genome position (GRCh38, 1-based): chr2:209,831,523, G>T. VCF-style: chr2-209831523-G-T. GRCh37 (hg19) VCF-style: chr2-210696247-G-T.
Other names: c.2707G>T, p.Ala903Ser (NM_032504.2); c.2692G>T, p.Ala898Ser (NM_182587.4); short protein forms A898S, A903S.
Identifiers: ClinVar variation 2001097 (VCV002001097.1), dbSNP rs549483297, ClinGen allele CA350411252.